The following is an entry in ClinVar:

ClinVar aggregate classification (germline): Uncertain significance (1 of 4 stars; one submission).

Conditions:
Cardiovascular phenotype. Identifiers: MedGen CN230736.
Hereditary cancer-predisposing syndrome. Also called: Hereditary neoplastic syndrome; Neoplastic Syndromes, Hereditary; Tumor predisposition; Hereditary Cancer Syndrome. Identifiers: Orphanet 140162, MedGen C0027672, MeSH D009386, MONDO:0015356.

Submission:

Ambry Genetics
Classification: Uncertain significance for Cardiovascular phenotype; Hereditary cancer-predisposing syndrome. Last evaluated: 2025-06-24. Review status: criteria provided, single submitter. Criteria: Ambry Variant Classification Scheme 2023. Collection method: clinical testing. Allele origin: germline.
Comment: The p.M1271R variant (also known as c.3812T>G), located in coding exon 28 of the NF1 gene, results from a T to G substitution at nucleotide position 3812. The methionine at codon 1271 is replaced by arginine, an amino acid with similar properties. This amino acid position is conserved. In addition, this alteration is predicted to be deleterious by in silico analysis. Based on the available evidence, the clinical significance of this variant remains unclear.

NM_001042492.3(NF1):c.3812T>G (p.Met1271Arg)

Gene: NF1 (neurofibromin 1; plus strand). Cytogenetic location: 17q11.2.
Variant type: single nucleotide variant.
Coding change: c.3812T>G on transcript NM_001042492.3 (MANE Select); coding-DNA position 3812, T replaced by G.
Protein change: p.Met1271Arg; replaces methionine 1271 with arginine.
Molecular consequence: missense variant.
Genome position (GRCh38, 1-based): chr17:31,235,714, T>G. VCF-style: chr17-31235714-T-G. GRCh37 (hg19) VCF-style: chr17-29562732-T-G.
Other names: c.3812T>G, p.Met1271Arg (NM_000267.4); short protein forms M1271R.
Identifiers: ClinVar variation 4119069 (VCV004119069.1).
Genomic context (GRCh38, chr17:31,235,714, plus strand): 5'-ATTTACTCTACCAACTGCTCTGGAACATGTTTTCTAAAGAAGTAGAATTGGCAGACTCCA[T>G]GCAGACTCTCTTCCGAGGCAACAGCTTGGCCAGTAAAATAATGACATTCTGTTTCAAGGT-3'
Protein context (NP_001035957.1, residues 1261-1281): FSKEVELADS[Met1271Arg]QTLFRGNSLA